The following is an entry in ClinVar:

ClinVar aggregate classification (germline): Uncertain significance (1 of 4 stars; one submission).

Conditions:
Citrullinemia. Identifiers: Orphanet 187, MedGen C0175683, MONDO:0015991.

Allele frequency attached by ClinVar (database versions not stated): gnomAD exomes below 0.00001.
gnomAD v4.1: 1 of 1,614,106 alleles (0.000062%); highest among the groups gnomAD compares: East Asian, 0.0022%; no homozygotes.

Submission:

Labcorp Genetics (formerly Invitae), Labcorp
Classification: Uncertain significance for Citrullinemia. Last evaluated: 2021-09-01. Review status: criteria provided, single submitter. Criteria: Invitae Variant Classification Sherloc (09022015). Collection method: clinical testing. Allele origin: germline.
Comment: This sequence change replaces aspartic acid with asparagine at codon 182 of the ASS1 protein (p.Asp182Asn). The aspartic acid residue is highly conserved and there is a small physicochemical difference between aspartic acid and asparagine. This variant is not present in population databases (ExAC no frequency). This variant has not been reported in the literature in individuals affected with ASS1-related conditions. Algorithms developed to predict the effect of missense changes on protein structure and function are either unavailable or do not agree on the potential impact of this missense change (SIFT: "Deleterious"; PolyPhen-2: "Possibly Damaging"; Align-GVGD: "Class C0"). In summary, the available evidence is currently insufficient to determine the role of this variant in disease. Therefore, it has been classified as a Variant of Uncertain Significance.

NM_054012.4(ASS1):c.544G>A (p.Asp182Asn)

Gene: ASS1 (argininosuccinate synthase 1; plus strand). Cytogenetic location: 9q34.11.
Variant type: single nucleotide variant.
Coding change: c.544G>A on transcript NM_054012.4 (MANE Select); coding-DNA position 544, G replaced by A.
Protein change: p.Asp182Asn; replaces aspartic acid 182 with asparagine.
Molecular consequence: missense variant.
Genome position (GRCh38, 1-based): chr9:130,470,882, G>A. VCF-style: chr9-130470882-G-A. GRCh37 (hg19) VCF-style: chr9-133346269-G-A.
Other names: c.544G>A, p.Asp182Asn (NM_000050.4); short protein forms D182N.
Identifiers: ClinVar variation 1916812 (VCV001916812.2), dbSNP rs2490564914, ClinGen allele CA375227252.